The following is an entry in ClinVar:

NM_130384.3(ATRIP):c.1220C>G (p.Ala407Gly)

Genes: ATRIP (ATR interacting protein; plus strand), ATRIP-TREX1 (ATRIP-TREX1 readthrough; plus strand). Cytogenetic location: 3p21.31.
Variant type: single nucleotide variant.
Coding change: c.1220C>G on transcript NM_130384.3 (MANE Select); coding-DNA position 1220, C replaced by G.
Protein change: p.Ala407Gly; replaces alanine 407 with glycine.
Molecular consequence: missense variant. On other transcripts: non-coding transcript variant (1).
Genome position (GRCh38, 1-based): chr3:48,460,274, C>G. VCF-style: chr3-48460274-C-G. GRCh37 (hg19) VCF-style: chr3-48501673-C-G.
Other names: c.839C>G, p.Ala280Gly (NM_001271022.2); c.941C>G, p.Ala314Gly (NM_001271023.2); c.1220C>G, p.Ala407Gly (NM_032166.4); short protein forms A280G, A314G, A407G.
Identifiers: ClinVar variation 5032481 (VCV005032481.1).
Genomic context (GRCh38, chr3:48,460,274, plus strand): 5'-ATCTGGTTGCCCGGAATGAGTGCTCACGTGATGGAGACCCAGCAGAGGGAGGCAGAAGGG[C>G]CTTCCCACTCTGCCAGCTTCCTGGAGCCGTGCATTTCCTCCCCCTTGTACAGTTCTTCAT-3'
Protein context (NP_569055.1, residues 397-417): DGDPAEGGRR[Ala407Gly]FPLCQLPGAV

ClinVar aggregate classification (germline): Uncertain significance (1 of 4 stars; one submission).

Submission:

Ambry Genetics
Classification: Uncertain significance. Last evaluated: 2026-09-03. Review status: criteria provided, single submitter. Criteria: Ambry Variant Classification Scheme 2023. Collection method: clinical testing. Allele origin: germline.
Comment: The p.A407G variant (also known as c.1220C>G), located in coding exon 8 of the ATRIP gene, results from a C to G substitution at nucleotide position 1220. The alanine at codon 407 is replaced by glycine, an amino acid with similar properties. This amino acid position is conserved. In addition, this alteration is predicted to be tolerated by in silico analysis. Based on the available evidence, the clinical significance of this variant remains unclear.